The following is an entry in ClinVar:

NM_016341.4(PLCE1):c.2598G>C (p.Thr866=)

Gene: PLCE1 (phospholipase C epsilon 1; plus strand). Cytogenetic location: 10q23.33.
Variant type: single nucleotide variant.
Coding change: c.2598G>C on transcript NM_016341.4 (MANE Select); coding-DNA position 2598, G replaced by C.
Protein change: p.Thr866=; no amino-acid change (threonine 866 retained).
Molecular consequence: synonymous variant.
Genome position (GRCh38, 1-based): chr10:94,246,123, G>C. VCF-style: chr10-94246123-G-C. GRCh37 (hg19) VCF-style: chr10-96005880-G-C.
Other names: c.1674G>C, p.Thr558= (NM_001165979.2); c.2598G>C, p.Thr866= (NM_001288989.2).
Identifiers: ClinVar variation 301706 (VCV000301706.32), dbSNP rs368426208, ClinGen allele CA5612688.

ClinVar aggregate classification (germline): Conflicting classifications of pathogenicity. Review status: criteria provided, conflicting classifications (1 of 4 stars). 3 submissions from 3 submitters: Uncertain significance (1); Likely benign (2). Last evaluated 2025-03-10.

Conditions:
Nephrotic syndrome, type 3 (NPHS3). Also called: NEPHROTIC SYNDROME, EARLY-ONSET, TYPE 3. Identifiers: Orphanet 656, MedGen C1853124, MONDO:0012546, OMIM 610725.

Allele frequency attached by ClinVar (database versions not stated): ESP Exome Variant Server 0.00008; TOPMed 0.00008.
gnomAD v4.1: 172 of 1,614,048 alleles (0.011%); highest among the groups gnomAD compares: Middle Eastern, 0.38%; no homozygotes.

Submissions (3):

Labcorp Genetics (formerly Invitae), Labcorp
Classification: Likely benign. Last evaluated: 2025-03-10. Review status: criteria provided, single submitter. Criteria: Invitae Variant Classification Sherloc (09022015). Collection method: clinical testing. Allele origin: germline.

CeGaT Center for Human Genetics Tuebingen
Classification: Likely benign. Last evaluated: 2022-08-01. Review status: criteria provided, single submitter. Criteria: CeGaT Center For Human Genetics Tuebingen Variant Classification Criteria Version 2. Collection method: clinical testing. Allele origin: germline. Affected: yes. Observed: 1 variant allele.
Comment: PLCE1: BP4, BP7

Illumina Laboratory Services, Illumina
Classification: Uncertain significance for Nephrotic syndrome, type 3. Last evaluated: 2018-01-12. Review status: criteria provided, single submitter. Criteria: ICSL Variant Classification Criteria 13 December 2019. Collection method: clinical testing. Allele origin: germline.